The following is an entry in ClinVar:

ClinVar aggregate classification (germline): Uncertain significance (1 of 4 stars; one submission).

Conditions:
Hypertrophic cardiomyopathy 10. Also called: MYL2-Related Familial Hypertrophic Cardiomyopathy; CARDIOMYOPATHY, HYPERTROPHIC, MID-LEFT VENTRICULAR CHAMBER TYPE, 2. Identifiers: MedGen C1834460, MONDO:0012112, OMIM 608758.

Submission:

Labcorp Genetics (formerly Invitae), Labcorp
Classification: Uncertain significance for Hypertrophic cardiomyopathy 10. Last evaluated: 2026-01-10. Review status: criteria provided, single submitter. Criteria: Invitae Variant Classification Sherloc (09022015). Collection method: clinical testing. Allele origin: germline.
Comment: This sequence change replaces alanine, which is neutral and non-polar, with valine, which is neutral and non-polar, at codon 73 of the MYL2 protein (p.Ala73Val). This variant is not present in population databases (gnomAD no frequency). This variant has not been reported in the literature in individuals affected with MYL2-related conditions. An algorithm developed to predict the effect of missense changes on protein structure and function (PolyPhen-2) suggests that this variant is likely to be tolerated. In summary, the available evidence is currently insufficient to determine the role of this variant in disease. Therefore, it has been classified as a Variant of Uncertain Significance.

NM_000432.4(MYL2):c.218C>T (p.Ala73Val)

Gene: MYL2 (myosin light chain 2; minus strand). Cytogenetic location: 12q24.11.
Variant type: single nucleotide variant.
Coding change: c.218C>T on transcript NM_000432.4 (MANE Select); coding-DNA position 218, C replaced by T.
Protein change: p.Ala73Val; replaces alanine 73 with valine.
Molecular consequence: missense variant.
Genome position (GRCh38, 1-based): chr12:110,914,242, G>A on the plus strand (C>T on the coding strand, the complement: MYL2 is on the minus strand). VCF-style: chr12-110914242-G-A. GRCh37 (hg19) VCF-style: chr12-111352046-G-A.
Other names: c.176C>T, p.Ala59Val (NM_001406745.1); c.161C>T, p.Ala54Val (NM_001406916.1); short protein forms A54V, A59V, A73V.
Identifiers: ClinVar variation 4805159 (VCV004805159.1).